The following is an entry in ClinVar:

NM_000088.4(COL1A1):c.2705del (p.Gly902fs)

Gene: COL1A1 (collagen type I alpha 1 chain; minus strand). Cytogenetic location: 17q21.33.
Variant type: Deletion.
Coding change: c.2705del on transcript NM_000088.4 (MANE Select); coding-DNA position 2705, one base deleted (G; older notation c.2705delG).
Protein change: p.Gly902fs; shifts the reading frame from glycine 902.
Molecular consequence: frameshift variant.
Genome position (GRCh38, 1-based): chr17:50,189,501, C deleted on the plus strand (G on the coding strand, the reverse complement: COL1A1 is on the minus strand); the first of 2 consecutive C bases (chr17:50,189,501-50,189,502); deleting either gives the same sequence. VCF-style (leftmost placement, unchanged base first): chr17-50189500-GC-G. GRCh37 (hg19) VCF-style: chr17-48266861-GC-G.
Other names: short protein forms G902fs.
Identifiers: ClinVar variation 2036515 (VCV002036515.4), dbSNP rs2509184342, ClinGen allele CA2580094238.

ClinVar aggregate classification (germline): Pathogenic (1 of 4 stars; one submission).

Conditions:
Osteogenesis imperfecta type I (OI1). Also called: OI, TYPE I; OSTEOGENESIS IMPERFECTA TARDA; OSTEOGENESIS IMPERFECTA WITH BLUE SCLERAE; Osteogenesis imperfecta type 1; Classic Non-deforming Osteogenesis Imperfecta with Blue Sclerae; Lobstein disease. Identifiers: Orphanet 216796, Orphanet 666, MedGen C0023931, MONDO:0008146, OMIM 166200. Disease mechanism: loss of function.

Submission:

Labcorp Genetics (formerly Invitae), Labcorp
Classification: Pathogenic for Osteogenesis imperfecta type I. Last evaluated: 2022-10-22. Review status: criteria provided, single submitter. Criteria: Invitae Variant Classification Sherloc (09022015). Collection method: clinical testing. Allele origin: germline.
Comment: For these reasons, this variant has been classified as Pathogenic. This variant has not been reported in the literature in individuals affected with COL1A1-related conditions. This variant is not present in population databases (gnomAD no frequency). This sequence change creates a premature translational stop signal (p.Gly902Alafs*206) in the COL1A1 gene. It is expected to result in an absent or disrupted protein product. Loss-of-function variants in COL1A1 are known to be pathogenic (PMID: 7942841, 9295084, 9443882).

Literature cited by the submitters: PubMed 7942841; PubMed 9295084; PubMed 9443882.